The following is an entry in ClinVar:

NM_000553.6(WRN):c.1653A>C (p.Pro551=)

Gene: WRN (WRN RecQ like helicase; plus strand). Cytogenetic location: 8p12.
Variant type: single nucleotide variant.
Coding change: c.1653A>C on transcript NM_000553.6 (MANE Select); coding-DNA position 1653, A replaced by C.
Protein change: p.Pro551=; no amino-acid change (proline 551 retained).
Molecular consequence: synonymous variant.
Genome position (GRCh38, 1-based): chr8:31,090,465, A>C. VCF-style: chr8-31090465-A-C. GRCh37 (hg19) VCF-style: chr8-30947981-A-C.
Identifiers: ClinVar variation 2149073 (VCV002149073.4), dbSNP rs2535930158, ClinGen allele CA460227788.

ClinVar aggregate classification (germline): Uncertain significance (1 of 4 stars; one submission).

Conditions:
Werner syndrome (WRN). Identifiers: Orphanet 902, MedGen C0043119, MONDO:0010196, OMIM 277700.

Submission:

Labcorp Genetics (formerly Invitae), Labcorp
Classification: Uncertain significance for Werner syndrome. Last evaluated: 2022-09-12. Review status: criteria provided, single submitter. Criteria: Invitae Variant Classification Sherloc (09022015). Collection method: clinical testing. Allele origin: germline.
Comment: Algorithms developed to predict the effect of sequence changes on RNA splicing suggest that this variant is not likely to affect RNA splicing. This variant has not been reported in the literature in individuals affected with WRN-related conditions. This variant is not present in population databases (gnomAD no frequency). This sequence change affects codon 551 of the WRN mRNA. It is a 'silent' change, meaning that it does not change the encoded amino acid sequence of the WRN protein. It affects a nucleotide within the consensus splice site. In summary, the available evidence is currently insufficient to determine the role of this variant in disease. Therefore, it has been classified as a Variant of Uncertain Significance.